The following is an entry in ClinVar:

NM_004525.3(LRP2):c.7499G>A (p.Arg2500His)

Gene: LRP2 (LDL receptor related protein 2; minus strand). Cytogenetic location: 2q31.1.
Variant type: single nucleotide variant.
Coding change: c.7499G>A on transcript NM_004525.3 (MANE Select); coding-DNA position 7499, G replaced by A.
Protein change: p.Arg2500His; replaces arginine 2500 with histidine.
Molecular consequence: missense variant.
Genome position (GRCh38, 1-based): chr2:169,206,080, C>T on the plus strand (G>A on the coding strand, the complement: LRP2 is on the minus strand). VCF-style: chr2-169206080-C-T. GRCh37 (hg19) VCF-style: chr2-170062590-C-T.
Other names: c.7499G>A (NM_004525.2); short protein forms R2500H.
Identifiers: ClinVar variation 1499274 (VCV001499274.8), dbSNP rs199910334, ClinGen allele CA1954082.

ClinVar aggregate classification (germline): Uncertain significance. Review status: criteria provided, multiple submitters, no conflicts (2 of 4 stars). 5 submissions from 5 submitters: Uncertain significance (5). Last evaluated 2026-04-28.

Conditions:
LRP2-related disorder. Also called: LRP2-related condition.
Inborn genetic diseases. Identifiers: MedGen C0950123, MeSH D030342.

Allele frequency attached by ClinVar (database versions not stated): ExAC 0.00007; gnomAD 0.00007; ESP Exome Variant Server 0.00008; gnomAD exomes 0.00008; TOPMed 0.00011.
gnomAD v4.1: 55 of 1,614,150 alleles (0.0034%); highest among the groups gnomAD compares: East Asian, 0.02%; no homozygotes.

Submissions (5):

GeneDx
Classification: Uncertain significance. Last evaluated: 2026-04-28. Review status: criteria provided, single submitter. Criteria: GeneDx Variant Classification Process June 2021. Collection method: clinical testing. Allele origin: germline.
Comment: In silico analysis suggests that this missense variant does not alter protein structure/function; Has not been previously published as pathogenic or benign to our knowledge

PreventionGenetics, part of Exact Sciences
Classification: Uncertain significance for LRP2-related condition. Last evaluated: 2026-04-06. Review status: criteria provided, single submitter. Criteria: ACMG Guidelines, 2015. Collection method: clinical testing. Allele origin: germline.
Comment: The LRP2 c.7499G>A variant is predicted to result in the amino acid substitution p.Arg2500His. To our knowledge, this variant has not been reported in the literature. This variant is reported in 0.055% of alleles in individuals of East Asian descent in gnomAD. Although we suspect that this variant may be benign, at this time, the clinical significance of this variant is uncertain due to the absence of conclusive functional and genetic evidence.

Ambry Genetics
Classification: Uncertain significance for Inborn genetic diseases. Last evaluated: 2024-04-26. Review status: criteria provided, single submitter. Criteria: Ambry Variant Classification Scheme 2023. Collection method: clinical testing. Allele origin: germline.

Blueprint Genetics
Classification: Uncertain significance. Last evaluated: 2023-06-08. Review status: criteria provided, single submitter. Criteria: ACMG Guidelines, 2015. Collection method: clinical testing. Allele origin: germline.

Labcorp Genetics (formerly Invitae), Labcorp
Classification: Uncertain significance. Last evaluated: 2022-10-04. Review status: criteria provided, single submitter. Criteria: Invitae Variant Classification Sherloc (09022015). Collection method: clinical testing. Allele origin: germline.
Comment: This sequence change replaces arginine, which is basic and polar, with histidine, which is basic and polar, at codon 2500 of the LRP2 protein (p.Arg2500His). This variant is present in population databases (rs199910334, gnomAD 0.05%). This variant has not been reported in the literature in individuals affected with LRP2-related conditions. ClinVar contains an entry for this variant (Variation ID: 1499274). Advanced modeling of protein sequence and biophysical properties (such as structural, functional, and spatial information, amino acid conservation, physicochemical variation, residue mobility, and thermodynamic stability) performed at Invitae indicates that this missense variant is not expected to disrupt LRP2 protein function. In summary, the available evidence is currently insufficient to determine the role of this variant in disease. Therefore, it has been classified as a Variant of Uncertain Significance.